The following is an entry in ClinVar:

ClinVar aggregate classification (germline): Uncertain significance (0 of 4 stars; one submission).

Conditions:
Familial long QT syndrome (RWS). Also called: Romano-Ward syndrome; VENTRICULAR FIBRILLATION WITH PROLONGED QT INTERVAL; Congenital long QT syndrome. Identifiers: Orphanet 768, MedGen C1141890, MONDO:0019171.

Submission:

Genetics and Genomics Program, Sidra Medicine
Classification: Uncertain significance for Isolated congenital long QT syndrome. Review status: no assertion criteria provided. Collection method: research. Allele origin: unknown. Affected: yes.
Comment: The c.44G>T missense variant in SCN10A occurs in a critical domain of the gene (PM1) and is absent from population databases (PM2). In silico predictions support a damaging effect (PP3). ACMG codes: PM1, PM2, PP3.

NM_006514.4(SCN10A):c.44G>T (p.Arg15Leu)

Gene: SCN10A (sodium voltage-gated channel alpha subunit 10; minus strand). Cytogenetic location: 3p22.2.
Variant type: single nucleotide variant.
Coding change: c.44G>T on transcript NM_006514.4 (MANE Select); coding-DNA position 44, G replaced by T.
Protein change: p.Arg15Leu; replaces arginine 15 with leucine.
Molecular consequence: missense variant.
Genome position (GRCh38, 1-based): chr3:38,793,967, C>A on the plus strand (G>T on the coding strand, the complement: SCN10A is on the minus strand). VCF-style: chr3-38793967-C-A. GRCh37 (hg19) VCF-style: chr3-38835458-C-A.
Other names: c.44G>T, p.Arg15Leu (NM_001293306.2, NM_001293307.2); short protein forms R15L.
Identifiers: ClinVar variation 3358892 (VCV003358892.1).